The following is an entry in ClinVar:

NM_023944.4(CYP4F12):c.981T>C (p.Phe327=)

Gene: CYP4F12 (cytochrome P450 family 4 subfamily F member 12; plus strand). Cytogenetic location: 19p13.12.
Variant type: single nucleotide variant.
Coding change: c.981T>C on transcript NM_023944.4 (MANE Select); coding-DNA position 981, T replaced by C.
Protein change: p.Phe327=; no amino-acid change (phenylalanine 327 retained).
Molecular consequence: synonymous variant. On other transcripts: non-coding transcript variant (1).
Genome position (GRCh38, 1-based): chr19:15,684,878, T>C. VCF-style: chr19-15684878-T-C. GRCh37 (hg19) VCF-style: chr19-15795688-T-C.
Identifiers: ClinVar variation 2649498 (VCV002649498.24), dbSNP rs201042177, ClinGen allele CA9271910.

ClinVar aggregate classification (germline): Likely benign (1 of 4 stars; one submission).

Allele frequency attached by ClinVar (database versions not stated): TOPMed 0.00024; ESP Exome Variant Server 0.00031; gnomAD 0.00034; gnomAD exomes 0.00037; ExAC 0.00042; 1000 Genomes Project 30x 0.00062; 1000 Genomes Project 0.00080.
gnomAD v4.1: 587 of 1,605,124 alleles (0.037%); highest among the groups gnomAD compares: Middle Eastern, 0.12%; 2 homozygotes.

Submission:

CeGaT Center for Human Genetics Tuebingen
Classification: Likely benign. Last evaluated: 2023-05-01. Review status: criteria provided, single submitter. Criteria: CeGaT Center For Human Genetics Tuebingen Variant Classification Criteria Version 2. Collection method: clinical testing. Allele origin: germline. Affected: yes. Observed: 1 variant allele.
Comment: CYP4F12: BP4, BP7